The following is an entry in ClinVar:

ClinVar aggregate classification (germline): Uncertain significance (1 of 4 stars; one submission).

Conditions:
Werner syndrome (WRN). Identifiers: Orphanet 902, MedGen C0043119, MONDO:0010196, OMIM 277700.

Submission:

Labcorp Genetics (formerly Invitae), Labcorp
Classification: Uncertain significance for Werner syndrome. Last evaluated: 2023-03-27. Review status: criteria provided, single submitter. Criteria: Invitae Variant Classification Sherloc (09022015). Collection method: clinical testing. Allele origin: germline.
Comment: In summary, the available evidence is currently insufficient to determine the role of this variant in disease. Therefore, it has been classified as a Variant of Uncertain Significance. An algorithm developed to predict the effect of missense changes on protein structure and function (PolyPhen-2) suggests that this variant is likely to be disruptive. This variant has not been reported in the literature in individuals affected with WRN-related conditions. This variant is not present in population databases (gnomAD no frequency). This sequence change replaces valine, which is neutral and non-polar, with glycine, which is neutral and non-polar, at codon 594 of the WRN protein (p.Val594Gly).

NM_000553.6(WRN):c.1781T>G (p.Val594Gly)

Gene: WRN (WRN RecQ like helicase; plus strand). Cytogenetic location: 8p12.
Variant type: single nucleotide variant.
Coding change: c.1781T>G on transcript NM_000553.6 (MANE Select); coding-DNA position 1781, T replaced by G.
Protein change: p.Val594Gly; replaces valine 594 with glycine.
Molecular consequence: missense variant.
Genome position (GRCh38, 1-based): chr8:31,090,894, T>G. VCF-style: chr8-31090894-T-G. GRCh37 (hg19) VCF-style: chr8-30948410-T-G.
Other names: short protein forms V594G.
Identifiers: ClinVar variation 2850047 (VCV002850047.3), dbSNP rs2535931647, ClinGen allele CA370927883.
Genomic context (GRCh38, chr8:31,090,894, plus strand): 5'-GATATGGAAAGAGTTTGTGCTTCCAGTATCCACCTGTTTATGTAGGCAAGATTGGCCTTG[T>G]TATCTCTCCCCTTATTTCTCTGATGGAAGACCAAGTGCTACAGCTTAAGTAAGTCATGTT-3'
Protein context (NP_000544.2, residues 584-604): PPVYVGKIGL[Val594Gly]ISPLISLMED